The following is an entry in ClinVar:

ClinVar aggregate classification (germline): Uncertain significance. Review status: criteria provided, multiple submitters, no conflicts (2 of 4 stars). 2 submissions from 2 submitters: Uncertain significance (2). Last evaluated 2024-10-21.

Conditions:
Progressive microcephaly-seizures-cortical blindness-developmental delay syndrome. Also called: Seizures, cortical blindness, and microcephaly syndrome. Identifiers: Orphanet 477814, MedGen C5567650, MONDO:0014714, OMIM 616632.
Autosomal dominant nonsyndromic hearing loss 1. Also called: DEAFNESS, AUTOSOMAL DOMINANT 1, WITH OR WITHOUT THROMBOCYTOPENIA; KONIGSMARK SYNDROME. Identifiers: Orphanet 90635, MedGen C1852282, MONDO:0007424, OMIM 124900.

Allele frequency attached by ClinVar (database versions not stated): gnomAD exomes 0.00005.
gnomAD v4.1: 26 of 1,568,026 alleles (0.0017%); highest among the groups gnomAD compares: Middle Eastern, 0.46%; 1 homozygote.

Submissions (2):

Labcorp Genetics (formerly Invitae), Labcorp
Classification: Uncertain significance for Progressive microcephaly-seizures-cortical blindness-developmental delay syndrome; Autosomal dominant nonsyndromic hearing loss 1. Last evaluated: 2024-10-21. Review status: criteria provided, single submitter. Criteria: Invitae Variant Classification Sherloc (09022015). Collection method: clinical testing. Allele origin: germline.
Comment: This sequence change replaces proline, which is neutral and non-polar, with leucine, which is neutral and non-polar, at codon 609 of the DIAPH1 protein (p.Pro609Leu). The frequency data for this variant in the population databases is considered unreliable, as metrics indicate poor data quality at this position in the gnomAD database. This variant has not been reported in the literature in individuals affected with DIAPH1-related conditions. ClinVar contains an entry for this variant (Variation ID: 2153578). Experimental studies and prediction algorithms are not available or were not evaluated, and the functional significance of this variant is currently unknown. In summary, the available evidence is currently insufficient to determine the role of this variant in disease. Therefore, it has been classified as a Variant of Uncertain Significance.

Revvity Omics, Revvity
Classification: Uncertain significance. Last evaluated: 2023-01-05. Review status: criteria provided, single submitter. Criteria: ACMG Guidelines, 2015. Collection method: clinical testing. Allele origin: germline.

NM_005219.5(DIAPH1):c.1826C>T (p.Pro609Leu)

Gene: DIAPH1 (diaphanous related formin 1; minus strand). Cytogenetic location: 5q31.3.
Variant type: single nucleotide variant.
Coding change: c.1826C>T on transcript NM_005219.5 (MANE Select); coding-DNA position 1826, C replaced by T.
Protein change: p.Pro609Leu; replaces proline 609 with leucine.
Molecular consequence: missense variant.
Genome position (GRCh38, 1-based): chr5:141,574,024, G>A on the plus strand (C>T on the coding strand, the complement: DIAPH1 is on the minus strand). VCF-style: chr5-141574024-G-A. GRCh37 (hg19) VCF-style: chr5-140953591-G-A.
Other names: c.1799C>T, p.Pro600Leu (NM_001079812.3); c.1826C>T, p.Pro609Leu (NM_001314007.2); short protein forms P609L, P600L.
Identifiers: ClinVar variation 2153578 (VCV002153578.7), dbSNP rs764883573, ClinGen allele CA3479207.
Genomic context (GRCh38, chr5:141,574,024, plus strand): 5'-GAGGAGATGCAAACACCCCCAGGCAAAGGAGGTGGAGGAGGAGGAGGAGGAGGAGGAGGA[G>A]GAGGAGTGGTACTATCCCCAGGAGCAGGTGGTGGTGGAATAATAGTGCCAGAGTCACCAG-3'
Protein context (NP_005210.3, residues 599-619): PPAPGDSTTP[Pro609Leu]PPPPPPPPPP